The following is an entry in ClinVar:

NM_001429.4(EP300):c.6245C>G (p.Ala2082Gly)

Gene: EP300 (EP300 lysine acetyltransferase; plus strand). Cytogenetic location: 22q13.2.
Variant type: single nucleotide variant.
Coding change: c.6245C>G on transcript NM_001429.4 (MANE Select); coding-DNA position 6245, C replaced by G.
Protein change: p.Ala2082Gly; replaces alanine 2082 with glycine.
Molecular consequence: missense variant.
Genome position (GRCh38, 1-based): chr22:41,177,956, C>G. VCF-style: chr22-41177956-C-G. GRCh37 (hg19) VCF-style: chr22-41573960-C-G.
Other names: c.6167C>G, p.Ala2056Gly (NM_001362843.2); short protein forms A2056G, A2082G.
Identifiers: ClinVar variation 2719080 (VCV002719080.3), dbSNP rs2517834375, ClinGen allele CA411681274.

ClinVar aggregate classification (germline): Uncertain significance (1 of 4 stars; one submission).

Conditions:
Rubinstein-Taybi syndrome due to EP300 haploinsufficiency. Also called: RUBINSTEIN-TAYBI SYNDROME 2; EP300-Related Rubinstein-Taybi Syndrome. Identifiers: Orphanet 353284, Orphanet 783, MedGen C3150941, MONDO:0013364, OMIM 613684.

Submission:

Labcorp Genetics (formerly Invitae), Labcorp
Classification: Uncertain significance for Rubinstein-Taybi syndrome due to EP300 haploinsufficiency. Last evaluated: 2026-01-06. Review status: criteria provided, single submitter. Criteria: Invitae Variant Classification Sherloc (09022015). Collection method: clinical testing. Allele origin: germline.
Comment: This sequence change replaces alanine, which is neutral and non-polar, with glycine, which is neutral and non-polar, at codon 2082 of the EP300 protein (p.Ala2082Gly). This variant is not present in population databases (gnomAD no frequency). This variant has not been reported in the literature in individuals affected with EP300-related conditions. ClinVar contains an entry for this variant (Variation ID: 2719080). Invitae Evidence Modeling of protein sequence and biophysical properties (such as structural, functional, and spatial information, amino acid conservation, physicochemical variation, residue mobility, and thermodynamic stability) indicates that this missense variant is not expected to disrupt EP300 protein function with a negative predictive value of 80%. In summary, the available evidence is currently insufficient to determine the role of this variant in disease. Therefore, it has been classified as a Variant of Uncertain Significance.